The following is an entry in ClinVar:

ClinVar aggregate classification (germline): Conflicting classifications of pathogenicity. Review status: criteria provided, conflicting classifications (1 of 4 stars). 3 submissions from 3 submitters: Uncertain significance (1); Likely benign (1). 1 of the submissions does not count toward it. Last evaluated 2025-01-20.

Conditions:
Hereditary cancer-predisposing syndrome. Also called: Tumor predisposition; Neoplastic Syndromes, Hereditary; Hereditary Cancer Syndrome; Hereditary neoplastic syndrome. Identifiers: Orphanet 140162, MedGen C0027672, MeSH D009386, MONDO:0015356.
Breast-ovarian cancer, familial, susceptibility to, 1 (BROVCA1). Also called: OVARIAN CANCER, SUSCEPTIBILITY TO; BRCA1 Hereditary Breast and Ovarian Cancer. Identifiers: Orphanet 145, MedGen C2676676, MONDO:0011450, OMIM 604370. Disease mechanism: loss of function.

Submissions (3):

Ambry Genetics
Classification: Uncertain significance for Hereditary cancer-predisposing syndrome. Last evaluated: 2025-01-20. Review status: criteria provided, single submitter. Criteria: Ambry Variant Classification Scheme 2023. Collection method: clinical testing. Allele origin: germline.
Comment: The p.S896C variant (also known as c.2686A>T), located in coding exon 9 of the BRCA1 gene, results from an A to T substitution at nucleotide position 2686. The serine at codon 896 is replaced by cysteine, an amino acid with dissimilar properties. This amino acid position is not well conserved in available vertebrate species. In addition, the in silico prediction for this alteration is inconclusive. Based on the available evidence, the clinical significance of this variant remains unclear.

University of Washington Department of Laboratory Medicine, University of Washington
Classification: Likely benign for Hereditary cancer-predisposing syndrome. Last evaluated: 2023-03-23. Review status: criteria provided, single submitter. Criteria: Dines et al. (Genet Med. 2020). Collection method: curation. Allele origin: germline.
Comment: Missense variant in a coldspot region where missense variants are very unlikely to be pathogenic (PMID:31911673).

BRCA1 coldspot (exon 11 using historical exon numbering). Reclassification based on statistical prior probability

Breast Cancer Information Core (BIC) (BRCA1)
Classification: Uncertain significance for Breast-ovarian cancer, familial 1. Last evaluated: 2003-12-23. Review status: no assertion criteria provided. Collection method: clinical testing. Allele origin: germline. Affected: yes. Observed: 1 variant allele. Not counted in ClinVar's aggregate classification.

NM_007294.4(BRCA1):c.2686A>T (p.Ser896Cys)

Gene: BRCA1 (BRCA1 DNA repair associated; minus strand). Cytogenetic location: 17q21.31.
Variant type: single nucleotide variant.
Coding change: c.2686A>T on transcript NM_007294.4 (MANE Select); coding-DNA position 2686, A replaced by T.
Protein change: p.Ser896Cys; replaces serine 896 with cysteine.
Molecular consequence: missense variant. On other transcripts: intron variant (137).
Genome position (GRCh38, 1-based): chr17:43,092,845, T>A on the plus strand (A>T on the coding strand, the complement: BRCA1 is on the minus strand). VCF-style: chr17-43092845-T-A. GRCh37 (hg19) VCF-style: chr17-41244862-T-A.
Other names: c.2473A>T, p.Ser825Cys (NM_001407571.1, NM_001407853.1, NM_001407894.1 and 9 more transcripts); c.2686A>T, p.Ser896Cys (NM_001407581.1, NM_001407582.1, NM_001407583.1 and 30 more transcripts); c.2683A>T, p.Ser895Cys (NM_001407587.1, NM_001407590.1, NM_001407591.1 and 22 more transcripts); c.2677A>T, p.Ser893Cys (NM_001407646.1, NM_001407647.1); c.2563A>T, p.Ser855Cys (NM_001407648.1, NM_001407664.1, NM_001407665.1 and 19 more transcripts); c.2560A>T, p.Ser854Cys (NM_001407649.1, NM_001407670.1, NM_001407671.1 and 11 more transcripts); c.2608A>T, p.Ser870Cys (NM_001407653.1, NM_001407654.1, NM_001407655.1 and 4 more transcripts); c.2605A>T, p.Ser869Cys (NM_001407659.1, NM_001407660.1, NM_001407661.1 and 1 more transcripts); and 41 more; short protein forms S896C, S849C, S728C, S807C, S848C, S854C, S893C, S768C.
Identifiers: ClinVar variation 54647 (VCV000054647.10), dbSNP rs80357188, ClinGen allele CA001769.